The following is an entry in ClinVar:

NM_001142800.2(EYS):c.9299_9302del (p.Thr3100fs)

Genes: EYS (EGF-like photoreceptor maintenance factor; minus strand), PHF3 (PHD finger protein 3; plus strand). Cytogenetic location: 6q12.
Variant type: Deletion.
Coding change: c.9299_9302del on transcript NM_001142800.2 (MANE Select); coding-DNA positions 9299 to 9302, 4 bases deleted (CTCA; older notation c.9299_9302delCTCA).
Protein change: p.Thr3100fs; shifts the reading frame from threonine 3100.
Molecular consequence: frameshift variant. On other transcripts: 3 prime UTR variant (5).
Genome position (GRCh38, 1-based): chr6:63,720,729-63,720,732, TGAG deleted on the plus strand (CTCA on the coding strand, the reverse complement: EYS is on the minus strand); deleting any 4 consecutive bases within chr6:63,720,729-63,720,733 gives the same sequence; the c. name uses the placement nearest the transcript's 3' end. VCF-style (leftmost placement, unchanged base first): chr6-63720728-TTGAG-T. GRCh37 (hg19) VCF-style: chr6-64430624-TTGAG-T.
Other names: c.*7022_*7025del (NM_001290259.2, NM_001370348.2, NM_001370349.2 and 2 more transcripts); c.9362_9365del, p.Thr3121fs (NM_001292009.2); c.9299_9302delCTCA (NM_001142800.1); short protein forms T3100fs, T3121fs.
Identifiers: ClinVar variation 802230 (VCV000802230.33), dbSNP rs769824975, ClinGen allele CA3876672.

ClinVar aggregate classification (germline): Pathogenic/Likely pathogenic. Review status: criteria provided, multiple submitters, no conflicts (2 of 4 stars). 13 submissions from 13 submitters: Pathogenic (11); Likely pathogenic (2). Last evaluated 2026-07-09.

Conditions:
EYS-related disorder. Also called: EYS-related condition.
Retinitis pigmentosa 25 (RP25). Identifiers: Orphanet 791, MedGen C1864446, MONDO:0011272, OMIM 602772.
Retinitis pigmentosa (RP). Identifiers: Orphanet 791, MedGen C0035334, MeSH D012174, MONDO:0019200, OMIM 268000. Inheritance: Autosomal dominant, autosomal recessive and X linked inheritance.

Submissions (13):

Victorian Clinical Genetics Services, Murdoch Childrens Research Institute
Classification: Pathogenic for Retinitis pigmentosa 25. Last evaluated: 2026-07-09. Review status: criteria provided, single submitter. Criteria: ACMG Guidelines, 2015. Collection method: clinical testing. Allele origin: germline. Affected: yes.
Comment: This variant is classified as Pathogenic. Evidence in support of pathogenic classification: This variant is predicted to result in a truncated protein (premature termination codon is NOT located at least 54 nucleotides upstream of the final exon-exon junction) with less than 1/3 of the protein sequence affected; This variant is present in gnomAD <0.01 for a recessive condition (v4: 132 heterozygote(s), 0 homozygote(s)); This variant has strong previous evidence of pathogenicity in unrelated individuals. This variant has been classified as likely pathogenic/pathogenic by multiple clinical laboratories in ClinVar. - Other variants comparable to the one identified in this case have very strong previous evidence for pathogenicity (DECIPHER). Additional information: This variant is heterozygous; This gene is associated with autosomal recessive disease; Variant is predicted to truncate part of the annotated laminin G domain (DECIPHER). - Loss of function is a known mechanism of disease in this gene and is associated with retinitis pigmentosa 25 (MIM#602772); Inheritance information for this variant is not currently available in this individual.

PreventionGenetics, part of Exact Sciences
Classification: Pathogenic for EYS-related condition. Last evaluated: 2026-03-31. Review status: criteria provided, single submitter. Criteria: ACMG Guidelines, 2015. Collection method: clinical testing. Allele origin: germline.
Comment: The EYS c.9299_9302delCTCA variant is predicted to result in a frameshift and premature protein termination (p.Thr3100Lysfs*26). This variant has been reported along with a second EYS variant in individuals with retinitis pigmentosa (see for examples: Pierrottet et al. 2014. PubMed ID: 25366773; Sengillo et al. 2018. PubMed ID: 29550188; Table S4, Colombo et al. 2021. PubMed ID: 33576794; Table S1, Lin et al. 2024. PubMed ID: 38219857). This variant is present in 0.0093% of alleles in individuals of European (Non-Finnish) descent in gnomAD. Frameshift variants in EYS are an established mechanism of disease. Given all the evidence, we interpret this variant as pathogenic.

Labcorp Genetics (formerly Invitae), Labcorp
Classification: Pathogenic. Last evaluated: 2026-01-09. Review status: criteria provided, single submitter. Criteria: Invitae Variant Classification Sherloc (09022015). Collection method: clinical testing. Allele origin: germline.
Comment: This sequence change creates a premature translational stop signal (p.Thr3100Lysfs*26) in the EYS gene. While this is not anticipated to result in nonsense mediated decay, it is expected to disrupt the last 45 amino acid(s) of the EYS protein. This variant is present in population databases (rs769824975, gnomAD 0.008%). This premature translational stop signal has been observed in individual(s) with retinitis pigmentosa (PMID: 25366773, 29550188). ClinVar contains an entry for this variant (Variation ID: 802230). This variant disrupts a region of the EYS protein in which other variant(s) (p.Val3096Leufs*28) have been determined to be pathogenic (PMID: 18976725, 20333770, 24474277, 25356976, 26261414, 29550188). This suggests that this is a clinically significant region of the protein, and that variants that disrupt it are likely to be disease-causing. For these reasons, this variant has been classified as Pathogenic.

Natera, Inc.
Classification: Pathogenic for Retinitis pigmentosa type 25. Last evaluated: 2025-10-13. Review status: criteria provided, single submitter. Criteria: Natera Variant Classification Schema (03/2026). Collection method: clinical testing. Allele origin: germline.
Comment: The c.9299_9302delCTCA variant in EYS is a frameshift variant predicted to shift the reading frame beginning at codon 3100 and leads to a stop codon 26 codons downstream. This variant is expected to result in nonsense mediated decay, truncation, or a dysfunctional protein product. This variant is rare in the general population with a frequency below the threshold expected for the associated phenotype(s). This variant has been observed in one or more individuals affected with the associated recessive disease, as either homozygous or compound heterozygous with a second variant (PMID: 29550188, 30902645). Additionally, this variant has been observed to segregate in affected family members (PMID: 32531858). Given the available evidence, this variant is classified as Pathogenic.

Blueprint Genetics
Classification: Pathogenic for EYS-related disorders. Last evaluated: 2024-09-06. Review status: criteria provided, single submitter. Criteria: ACMG Guidelines, 2015. Collection method: clinical testing. Allele origin: germline. Affected: yes. Observed: 5 variant alleles.

Baylor Genetics
Classification: Pathogenic for Retinitis pigmentosa 25. Last evaluated: 2024-03-09. Review status: criteria provided, single submitter. Criteria: ACMG Guidelines, 2015. Collection method: clinical testing. Allele origin: unknown.

Women's Health and Genetics/Laboratory Corporation of America, LabCorp
Classification: Pathogenic for Retinitis pigmentosa. Last evaluated: 2023-09-14. Review status: criteria provided, single submitter. Criteria: LabCorp Variant Classification Summary - May 2015. Collection method: clinical testing. Allele origin: germline.
Comment: Variant summary: EYS c.9299_9302delCTCA (p.Thr3100LysfsX26) results in a premature termination codon, predicted to cause a truncation of the encoded protein or absence of the protein. The variant allele was found at a frequency of 4.5e-05 in 154622 control chromosomes (gnomAD). c.9299_9302delCTCA has been reported in the literature in bi-allelic individuals affected with Retinitis Pigmentosa (examples: Weisschuh_2020, Colombo_2021, Ganapathi_2022). These data indicate that the variant is likely to be associated with disease. The following publications have been ascertained in the context of this evaluation (PMID: 32531858, 33576794, 35672425). Eight submitters have cited clinical-significance assessments for this variant to ClinVar after 2014. All submitters classified the variant as pathogenic/likely pathogenic. Based on the evidence outlined above, the variant was classified as pathogenic.

Fulgent Genetics
Classification: Pathogenic for Retinitis pigmentosa 25. Last evaluated: 2022-03-21. Review status: criteria provided, single submitter. Criteria: ACMG Guidelines, 2015. Collection method: clinical testing. Allele origin: unknown.

MGZ Medical Genetics Center
Classification: Likely pathogenic for Retinitis pigmentosa 25. Last evaluated: 2022-02-02. Review status: criteria provided, single submitter. Criteria: ACMG Guidelines, 2015. Collection method: clinical testing. Allele origin: germline. Affected: yes. Observed: 3 variant alleles.
Comment: ACMG criteria applied: PVS1_STR, PM3, PS4_SUP, PM2_SUP

GeneDx
Classification: Pathogenic. Last evaluated: 2021-12-02. Review status: criteria provided, single submitter. Criteria: GeneDx Variant Classification Process June 2021. Collection method: clinical testing. Allele origin: germline. Affected: yes.
Comment: Frameshift variant in the C-terminus predicted to result in protein truncation, as the last 45 amino acids are lost and replaced with 25 incorrect amino acids; This variant is associated with the following publications: (PMID: 29550188, 25366773, 33576794, 32675063)

Broad Center for Mendelian Genomics, Broad Institute of MIT and Harvard
Classification: Pathogenic for Retinitis pigmentosa. Last evaluated: 2021-04-01. Review status: criteria provided, single submitter. Criteria: ACMG Guidelines, 2015. Collection method: curation. Allele origin: germline. Inheritance: Autosomal recessive inheritance. Affected: yes.
Comment: Through a review of available evidence we were able to apply the following criteria: PVS1, PM2, PM3-P. Based on this evidence we have classified this variant as Pathogenic. If you have any questions about the classification please reach out to the Pierce Lab.

Mendelics
Classification: Pathogenic for Retinitis pigmentosa 25. Last evaluated: 2019-05-28. Review status: criteria provided, single submitter. Criteria: Mendelics Assertion Criteria 2017. Collection method: clinical testing. Allele origin: unknown.

ARUP Laboratories, Molecular Genetics and Genomics, ARUP Laboratories
Classification: Likely pathogenic for Retinitis pigmentosa 25. Last evaluated: 2019-04-18. Review status: criteria provided, single submitter. Criteria: ARUP Molecular Germline Variant Investigation Process. Collection method: clinical testing. Allele origin: germline.
Comment: The EYS c.9299_9302delCTCA; p.Thr3100fs variant (rs769824975) is published in the medical literature in an individual with autosomal recessive retinitis pigmentosa who also carried an additional EYS variant of uncertain significance (Pierrottet 2014). The variant is reported in the general population with an overall allele frequency of 0.004% (8/186008 alleles) in the Genome Aggregation Database. This variant results in a premature termination codon in the last exon of the EYS gene. While this may not lead to nonsense-mediated decay, it is expected to create a truncated EYS protein. Other frameshift variants in this region are described as pathogenic (see link to ClinVar, Hosono 2012). Considering available information, this variant is classified as likely pathogenic. References: Link to EYS in ClinVar: Hosono K et al. Two novel mutations in the EYS gene are possible major causes of autosomal recessive retinitis pigmentosa in the Japanese population. PLoS One. 2012;7(2):e31036. Pierrottet CO et al. Syndromic and non-syndromic forms of retinitis pigmentosa: a comprehensive Italian clinical and molecular study reveals new mutations. Genet Mol Res. 2014 Oct 27;13(4):8815-33.

Literature cited by the submitters: PubMed 25366773 (cited by Labcorp Genetics (formerly Invitae), Labcorp and Broad Center for Mendelian Genomics, Broad Institute of MIT and Harvard); PubMed 29550188 (cited by Labcorp Genetics (formerly Invitae), Labcorp and Natera, Inc.); PubMed 18976725 (cited by Labcorp Genetics (formerly Invitae), Labcorp); PubMed 20333770 (cited by Labcorp Genetics (formerly Invitae), Labcorp); PubMed 24474277 (cited by Labcorp Genetics (formerly Invitae), Labcorp); PubMed 25356976 (cited by Labcorp Genetics (formerly Invitae), Labcorp); PubMed 26261414 (cited by Labcorp Genetics (formerly Invitae), Labcorp); PubMed 30902645 (cited by Natera, Inc.); PubMed 32531858 (cited by Natera, Inc. and Women's Health and Genetics/Laboratory Corporation of America, LabCorp); PubMed 33576794 (cited by Women's Health and Genetics/Laboratory Corporation of America, LabCorp); PubMed 35672425 (cited by Women's Health and Genetics/Laboratory Corporation of America, LabCorp); PubMed 34906470 (cited by Broad Center for Mendelian Genomics, Broad Institute of MIT and Harvard).